The following is an entry in ClinVar:

NM_001122764.3(PPOX):c.545C>A (p.Ser182Tyr)

Gene: PPOX (protoporphyrinogen oxidase; plus strand). Cytogenetic location: 1q23.3.
Variant type: single nucleotide variant.
Coding change: c.545C>A on transcript NM_001122764.3 (MANE Select); coding-DNA position 545, C replaced by A.
Protein change: p.Ser182Tyr; replaces serine 182 with tyrosine.
Molecular consequence: missense variant.
Genome position (GRCh38, 1-based): chr1:161,168,505, C>A. VCF-style: chr1-161168505-C-A. GRCh37 (hg19) VCF-style: chr1-161138295-C-A.
Other names: c.545C>A, p.Ser182Tyr (NM_000309.5, NM_001365398.1, NM_001365399.1); c.446C>A, p.Ser149Tyr (NM_001350128.2); c.137C>A, p.Ser46Tyr (NM_001350129.2, NM_001365400.1); c.59C>A, p.Ser20Tyr (NM_001350130.2, NM_001350131.2, NM_001365401.1); short protein forms S20Y, S149Y, S46Y, S182Y.
Identifiers: ClinVar variation 937478 (VCV000937478.9), dbSNP rs745879127, ClinGen allele CA343353906.

ClinVar aggregate classification (germline): Uncertain significance (1 of 4 stars; one submission).

Submission:

Labcorp Genetics (formerly Invitae), Labcorp
Classification: Uncertain significance. Last evaluated: 2022-01-12. Review status: criteria provided, single submitter. Criteria: Invitae Variant Classification Sherloc (09022015). Collection method: clinical testing. Allele origin: germline.
Comment: In summary, the available evidence is currently insufficient to determine the role of this variant in disease. Therefore, it has been classified as a Variant of Uncertain Significance. Algorithms developed to predict the effect of missense changes on protein structure and function are either unavailable or do not agree on the potential impact of this missense change (SIFT: "Tolerated"; PolyPhen-2: "Probably Damaging"; Align-GVGD: "Class C0"). ClinVar contains an entry for this variant (Variation ID: 937478). This variant has not been reported in the literature in individuals affected with PPOX-related conditions. This variant is not present in population databases (gnomAD no frequency). This sequence change replaces serine, which is neutral and polar, with tyrosine, which is neutral and polar, at codon 182 of the PPOX protein (p.Ser182Tyr).